The following is an entry in ClinVar:

NM_004836.7(EIF2AK3):c.2951A>C (p.Gln984Pro)

Genes: EIF2AK3 (eukaryotic translation initiation factor 2 alpha kinase 3; minus strand), EIF2AK3-AS1 (EIF2AK3 antisense RNA 1; plus strand). Cytogenetic location: 2p11.2.
Variant type: single nucleotide variant.
Coding change: c.2951A>C on transcript NM_004836.7 (MANE Select); coding-DNA position 2951, A replaced by C.
Protein change: p.Gln984Pro; replaces glutamine 984 with proline.
Molecular consequence: missense variant.
Genome position (GRCh38, 1-based): chr2:88,570,908, T>G on the plus strand (A>C on the coding strand, the complement: EIF2AK3 is on the minus strand). VCF-style: chr2-88570908-T-G. GRCh37 (hg19) VCF-style: chr2-88870426-T-G.
Other names: c.2498A>C, p.Gln833Pro (NM_001313915.2); short protein forms Q984P, Q833P.
Identifiers: ClinVar variation 2013233 (VCV002013233.2), dbSNP rs2529116977, ClinGen allele CA347587005.

ClinVar aggregate classification (germline): Uncertain significance (1 of 4 stars; one submission).

Submission:

Labcorp Genetics (formerly Invitae), Labcorp
Classification: Uncertain significance. Last evaluated: 2025-03-10. Review status: criteria provided, single submitter. Criteria: Invitae Variant Classification Sherloc (09022015). Collection method: clinical testing. Allele origin: germline.
Comment: This sequence change replaces glutamine, which is neutral and polar, with proline, which is neutral and non-polar, at codon 984 of the EIF2AK3 protein (p.Gln984Pro). This variant is not present in population databases (gnomAD no frequency). This variant has not been reported in the literature in individuals affected with EIF2AK3-related conditions. ClinVar contains an entry for this variant (Variation ID: 2013233). An algorithm developed to predict the effect of missense changes on protein structure and function (PolyPhen-2) suggests that this variant is likely to be disruptive. In summary, the available evidence is currently insufficient to determine the role of this variant in disease. Therefore, it has been classified as a Variant of Uncertain Significance.